The following is an entry in ClinVar:

NM_001082538.3(TCTN1):c.1045G>A (p.Gly349Arg)

Gene: TCTN1 (tectonic family member 1; plus strand). Cytogenetic location: 12q24.11.
Variant type: single nucleotide variant.
Coding change: c.1045G>A on transcript NM_001082538.3 (MANE Select); coding-DNA position 1045, G replaced by A.
Protein change: p.Gly349Arg; replaces glycine 349 with arginine.
Molecular consequence: missense variant. On other transcripts: non-coding transcript variant (1).
Genome position (GRCh38, 1-based): chr12:110,641,090, G>A. VCF-style: chr12-110641090-G-A. GRCh37 (hg19) VCF-style: chr12-111078895-G-A.
Other names: c.1045G>A, p.Gly349Arg (NM_001082537.3, NM_001319680.2); c.877G>A, p.Gly293Arg (NM_001173975.3); c.865G>A, p.Gly289Arg (NM_001173976.2); c.511G>A, p.Gly171Arg (NM_001319681.2); c.1003G>A, p.Gly335Arg (NM_024549.6); short protein forms G171R, G349R, G293R, G335R, G289R.
Identifiers: ClinVar variation 2086917 (VCV002086917.4), dbSNP rs2066919589, ClinGen allele CA386704971.

ClinVar aggregate classification (germline): Uncertain significance (1 of 4 stars; one submission).

Conditions:
Joubert syndrome. Also called: CEREBELLOPARENCHYMAL DISORDER IV; JOUBERT-BOLTSHAUSER SYNDROME; Familial aplasia of the vermis. Identifiers: Orphanet 475, MedGen C5979921, MONDO:0018772.
Meckel-Gruber syndrome. Also called: DYSENCEPHALIA SPLANCHNOCYSTICA; GRUBER SYNDROME; Dysencephalia splachnocystica. Identifiers: Orphanet 564, MedGen C0265215, MONDO:0018921.

Submission:

Labcorp Genetics (formerly Invitae), Labcorp
Classification: Uncertain significance for Joubert syndrome; Meckel-Gruber syndrome. Last evaluated: 2024-03-15. Review status: criteria provided, single submitter. Criteria: Invitae Variant Classification Sherloc (09022015). Collection method: clinical testing. Allele origin: germline.
Comment: This sequence change replaces glycine, which is neutral and non-polar, with arginine, which is basic and polar, at codon 349 of the TCTN1 protein (p.Gly349Arg). This variant is not present in population databases (gnomAD no frequency). This variant has not been reported in the literature in individuals affected with TCTN1-related conditions. ClinVar contains an entry for this variant (Variation ID: 2086917). Advanced modeling of protein sequence and biophysical properties (such as structural, functional, and spatial information, amino acid conservation, physicochemical variation, residue mobility, and thermodynamic stability) performed at Invitae indicates that this missense variant is expected to disrupt TCTN1 protein function with a positive predictive value of 80%. In summary, the available evidence is currently insufficient to determine the role of this variant in disease. Therefore, it has been classified as a Variant of Uncertain Significance.